The following is an entry in ClinVar:

ClinVar aggregate classification (germline): Uncertain significance (0 of 4 stars; one submission).

Conditions:
ANKRD11-related disorder. Also called: ANKRD11-related condition.

Allele frequency attached by ClinVar (database versions not stated): ExAC 0.00001; gnomAD exomes 0.00001; gnomAD 0.00002; TOPMed 0.00002.

Submission:

PreventionGenetics, part of Exact Sciences
Classification: Uncertain significance for ANKRD11-related condition. Last evaluated: 2024-07-18. Review status: no assertion criteria provided. Collection method: clinical testing. Allele origin: germline.
Comment: The ANKRD11 c.4199A>G variant is predicted to result in the amino acid substitution p.Asp1400Gly. To our knowledge, this variant has not been reported in the literature. This variant is reported in 0.0062% of alleles in individuals of African descent in gnomAD. At this time, the clinical significance of this variant is uncertain due to the absence of conclusive functional and genetic evidence.

NM_013275.6(ANKRD11):c.4199A>G (p.Asp1400Gly)

Gene: ANKRD11 (ankyrin repeat domain containing 11; minus strand). Cytogenetic location: 16q24.3.
Variant type: single nucleotide variant.
Coding change: c.4199A>G on transcript NM_013275.6 (MANE Select); coding-DNA position 4199, A replaced by G.
Protein change: p.Asp1400Gly; replaces aspartic acid 1400 with glycine.
Molecular consequence: missense variant.
Genome position (GRCh38, 1-based): chr16:89,282,343, T>C on the plus strand (A>G on the coding strand, the complement: ANKRD11 is on the minus strand). VCF-style: chr16-89282343-T-C. GRCh37 (hg19) VCF-style: chr16-89348751-T-C.
Other names: c.4199A>G, p.Asp1400Gly (NM_001256182.2, NM_001256183.2); short protein forms D1400G.
Identifiers: ClinVar variation 2636687 (VCV002636687.2), dbSNP rs754617409, ClinGen allele CA8242186.